The following is an entry in ClinVar:

ClinVar aggregate classification (germline): Conflicting classifications of pathogenicity. Review status: criteria provided, conflicting classifications (1 of 4 stars). 9 submissions from 9 submitters: Uncertain significance (2); Benign (2); Likely benign (4). 1 of the submissions does not count toward it. Last evaluated 2026-08-01.

Conditions:
Inborn genetic diseases. Identifiers: MedGen C0950123, MeSH D030342.
CHD7-related disorder. Also called: CHD7-related condition.
Hypogonadotropic hypogonadism 5 with or without anosmia (KAL5). Also called: HYPOGONADOTROPIC HYPOGONADISM 5 WITH ANOSMIA; HYPOGONADOTROPHIC HYPOGONADISM 5 WITHOUT ANOSMIA; CHD7-Related GnRH Deficiency (Kallmann Syndrome 5). Identifiers: Orphanet 478, MedGen C3552553, MONDO:0012880, OMIM 612370. Disease mechanism: loss of function.
CHARGE syndrome (CHARGE). Also called: Coloboma, heart anomaly, choanal atresia, retardation, genital and ear anomalies; CHARGE association; Hall-Hittner syndrome; Hittner Hirsch Kreh syndrome; CHARGE ASSOCIATION--COLOBOMA, HEART ANOMALY, CHOANAL ATRESIA, RETARDATION, GENITAL AND EAR ANOMALIES. Identifiers: Orphanet 138, MedGen C0265354, MONDO:0008965.

Allele frequency attached by ClinVar (database versions not stated): gnomAD 0.00008; gnomAD exomes 0.00019 and 0.00031; TOPMed 0.00020; ExAC 0.00035.
gnomAD v4.1: 287 of 1,613,536 alleles (0.018%); highest among the groups gnomAD compares: Admixed American, 0.085%; 2 homozygotes.

Submissions (9):

CeGaT Center for Human Genetics Tuebingen
Classification: Benign. Last evaluated: 2026-08-01. Review status: criteria provided, single submitter. Criteria: CeGaT Center For Human Genetics Tuebingen Variant Classification Criteria Version 2. Collection method: clinical testing. Allele origin: germline. Affected: yes. Observed: 2 variant alleles.
Comment: CHD7: BP4, BS1, BS2

Ambry Genetics
Classification: Likely benign for Inborn genetic diseases. Last evaluated: 2026-06-12. Review status: criteria provided, single submitter. Criteria: Ambry Variant Classification Scheme 2023. Collection method: clinical testing. Allele origin: germline.

Labcorp Genetics (formerly Invitae), Labcorp
Classification: Likely benign for CHARGE syndrome. Last evaluated: 2026-01-11. Review status: criteria provided, single submitter. Criteria: Invitae Variant Classification Sherloc (09022015). Collection method: clinical testing. Allele origin: germline.

Women's Health and Genetics/Laboratory Corporation of America, LabCorp
Classification: Likely benign. Last evaluated: 2025-12-24. Review status: criteria provided, single submitter. Criteria: LabCorp Variant Classification Summary - May 2015. Collection method: clinical testing. Allele origin: germline.
Comment: Variant summary: CHD7 c.127A>G (p.Ile43Val) results in a conservative amino acid change in the encoded protein sequence. Algorithms developed to predict the effect of missense changes on protein structure and function all suggest that this variant is likely to be tolerated. The variant allele was found at a frequency of 0.00018 in 1613536 control chromosomes in the gnomAD database, including 2 homozygotes. The observed variant frequency exceeds the estimated maximal expected allele frequency for disease-causing variants in CHD7. c.127A>G has been observed in individual(s) affected with CHARGE Syndrome (Butcher_2017, Levy_2022). These data do not allow any conclusion about variant significance. To our knowledge, no experimental evidence demonstrating an impact on protein function has been reported. The following publications have been ascertained in the context of this evaluation (PMID: 29304373, 28475860, 35904121). ClinVar contains an entry for this variant (Variation ID: 588812). Based on the evidence outlined above, the variant was classified as likely benign.

Blueprint Genetics
Classification: Likely benign. Last evaluated: 2024-11-20. Review status: criteria provided, single submitter. Criteria: ACMG Guidelines, 2015. Collection method: clinical testing. Allele origin: germline.

ARUP Laboratories, Molecular Genetics and Genomics, ARUP Laboratories
Classification: Uncertain significance. Last evaluated: 2023-09-08. Review status: criteria provided, single submitter. Criteria: ARUP Molecular Germline Variant Investigation Process 2024. Collection method: clinical testing. Allele origin: germline.

GeneDx
Classification: Benign. Last evaluated: 2020-10-21. Review status: criteria provided, single submitter. Criteria: GeneDx Variant Classification Process June 2021. Collection method: clinical testing. Allele origin: germline. Affected: yes.
Comment: This variant is associated with the following publications: (PMID: 28475860, 29304373)

Illumina Laboratory Services, Illumina
Classification: Uncertain significance for Kallmann Syndrome 5. Last evaluated: 2017-04-27. Review status: criteria provided, single submitter. Criteria: ICSL Variant Classification Criteria 13 December 2019. Collection method: clinical testing. Allele origin: germline.

PreventionGenetics, part of Exact Sciences
Classification: Likely benign for CHD7-related condition. Last evaluated: 2023-04-11. Review status: no assertion criteria provided. Collection method: clinical testing. Allele origin: germline. Not counted in ClinVar's aggregate classification.
Comment: This variant is classified as likely benign based on ACMG/AMP sequence variant interpretation guidelines (Richards et al. 2015 PMID: 25741868, with internal and published modifications).

Literature cited by the submitters: PubMed 29304373 (cited by Women's Health and Genetics/Laboratory Corporation of America, LabCorp); PubMed 28475860 (cited by Women's Health and Genetics/Laboratory Corporation of America, LabCorp); PubMed 35904121 (cited by Women's Health and Genetics/Laboratory Corporation of America, LabCorp).

NM_017780.4(CHD7):c.127A>G (p.Ile43Val)

Gene: CHD7 (chromodomain helicase DNA binding protein 7; plus strand). Cytogenetic location: 8q12.2.
Variant type: single nucleotide variant.
Coding change: c.127A>G on transcript NM_017780.4 (MANE Select); coding-DNA position 127, A replaced by G.
Protein change: p.Ile43Val; replaces isoleucine 43 with valine.
Molecular consequence: missense variant.
Genome position (GRCh38, 1-based): chr8:60,741,559, A>G. VCF-style: chr8-60741559-A-G. GRCh37 (hg19) VCF-style: chr8-61654118-A-G.
Other names: c.127A>G, p.Ile43Val (NM_001316690.1); short protein forms I43V.
Identifiers: ClinVar variation 588812 (VCV000588812.50), dbSNP rs201542180, ClinGen allele CA4759266.